The following is an entry in ClinVar:

NM_012120.3(CD2AP):c.997A>G (p.Lys333Glu)

Gene: CD2AP (CD2 associated protein; plus strand). Cytogenetic location: 6p12.3.
Variant type: single nucleotide variant.
Coding change: c.997A>G on transcript NM_012120.3 (MANE Select); coding-DNA position 997, A replaced by G.
Protein change: p.Lys333Glu; replaces lysine 333 with glutamic acid.
Molecular consequence: missense variant.
Genome position (GRCh38, 1-based): chr6:47,579,478, A>G. VCF-style: chr6-47579478-A-G. GRCh37 (hg19) VCF-style: chr6-47547214-A-G.
Other names: short protein forms K333E.
Identifiers: ClinVar variation 1904107 (VCV001904107.5), dbSNP rs769681987, ClinGen allele CA3844165.

ClinVar aggregate classification (germline): Uncertain significance (1 of 4 stars; one submission).

Allele frequency attached by ClinVar (database versions not stated): TOPMed below 0.00001; gnomAD exomes 0.00001; ExAC 0.00002.
gnomAD v4.1: 17 of 1,590,910 alleles (0.0011%); highest among the groups gnomAD compares: South Asian, 0.015%; no homozygotes.

Submission:

Labcorp Genetics (formerly Invitae), Labcorp
Classification: Uncertain significance. Last evaluated: 2022-04-08. Review status: criteria provided, single submitter. Criteria: Invitae Variant Classification Sherloc (09022015). Collection method: clinical testing. Allele origin: germline.
Comment: This sequence change replaces lysine, which is basic and polar, with glutamic acid, which is acidic and polar, at codon 333 of the CD2AP protein (p.Lys333Glu). This variant is present in population databases (rs769681987, gnomAD 0.01%). This variant has not been reported in the literature in individuals affected with CD2AP-related conditions. Algorithms developed to predict the effect of missense changes on protein structure and function are either unavailable or do not agree on the potential impact of this missense change (SIFT: "Deleterious"; PolyPhen-2: "Benign"; Align-GVGD: "Class C0"). In summary, the available evidence is currently insufficient to determine the role of this variant in disease. Therefore, it has been classified as a Variant of Uncertain Significance.